The following is an entry in ClinVar:

NM_005184.4(CALM3):c.178+3G>A

Gene: CALM3 (calmodulin 3; plus strand). Cytogenetic location: 19q13.32.
Variant type: single nucleotide variant.
Coding change: c.178+3G>A on transcript NM_005184.4 (MANE Select); 3 bases into the intron after coding-DNA position 178, G replaced by A.
Molecular consequence: intron variant.
Genome position (GRCh38, 1-based): chr19:46,608,343, G>A. VCF-style: chr19-46608343-G-A. GRCh37 (hg19) VCF-style: chr19-47111600-G-A.
Other names: c.70+3G>A (NM_001329921.1, NM_001329924.2, NM_001329926.2 and 2 more transcripts); c.178+3G>A (NM_001329922.1).
Identifiers: ClinVar variation 1779976 (VCV001779976.2), dbSNP rs1971787351, ClinGen allele CA2338996041.

ClinVar aggregate classification (germline): Uncertain significance (1 of 4 stars; one submission).

Conditions:
Cardiovascular phenotype. Identifiers: MedGen CN230736.

Submission:

Ambry Genetics
Classification: Uncertain significance for Cardiovascular phenotype. Last evaluated: 2022-04-18. Review status: criteria provided, single submitter. Criteria: Ambry Variant Classification Scheme 2023. Collection method: clinical testing. Allele origin: germline.
Comment: The c.178+3G>A intronic variant results from a G to A substitution 3 nucleotides after coding exon 3 in the CALM3 gene. This nucleotide position is not well conserved in available vertebrate species. In silico splice site analysis predicts that this alteration will not have any significant effect on splicing. Since supporting evidence is limited at this time, the clinical significance of this alteration remains unclear.